The following is an entry in ClinVar:

NM_004586.3(RPS6KA3):c.2142_2145dup (p.Pro716fs)

Gene: RPS6KA3 (ribosomal protein S6 kinase A3; minus strand). Cytogenetic location: Xp22.12.
Variant type: Duplication.
Coding change: c.2142_2145dup on transcript NM_004586.3 (MANE Select); coding-DNA positions 2142 to 2145, 4 bases duplicated (GTCA; older notation c.2142_2145dupGTCA).
Protein change: p.Pro716fs; shifts the reading frame from proline 716.
Molecular consequence: frameshift variant.
Genome position (GRCh38, 1-based): chrX:20,155,476-20,155,479, TGAC duplicated on the plus strand (GTCA on the coding strand, the reverse complement: RPS6KA3 is on the minus strand); duplicating any 4 consecutive bases within chrX:20,155,476-20,155,482 gives the same sequence; the c. name uses the placement nearest the transcript's 3' end. VCF-style (leftmost placement, unchanged base first): chrX-20155475-G-GTGAC. GRCh37 (hg19) VCF-style: chrX-20173593-G-GTGAC.
Other names: short protein forms P716fs.
Identifiers: ClinVar variation 1476999 (VCV001476999.6), dbSNP rs2148622591, ClinGen allele CA2573158439.
Genomic context (GRCh38, chrX:20,155,475, plus strand): 5'-TGATTTTTTTAATACCTCTCCGCTGAGCAAGAGTAGAGCGGCCTACTGGTTCCAAAACTG[G>GTGAC]TGACTGATTACGGTTCAAAGCAGAATATGTAGCTGCCATGGCACCCTGAACAAAGGAAAT-3'

ClinVar aggregate classification (germline): Pathogenic (1 of 4 stars; one submission).

Conditions:
Intellectual developmental disorder, X-linked 19. Also called: Intellectual disability, X-linked 19. Identifiers: Orphanet 777, MedGen C0796225, MONDO:0010447, OMIM 300844.
Coffin-Lowry syndrome (CLS). Also called: COFFIN-LOWRY SYNDROME, MILD; Mental retardation with osteocartilaginous abnormalities. Identifiers: Orphanet 192, MedGen C0265252, MONDO:0010561, OMIM 303600.

Submission:

Labcorp Genetics (formerly Invitae), Labcorp
Classification: Pathogenic for Coffin-Lowry syndrome; Intellectual developmental disorder, X-linked 19. Last evaluated: 2023-05-04. Review status: criteria provided, single submitter. Criteria: Invitae Variant Classification Sherloc (09022015). Collection method: clinical testing. Allele origin: germline.
Comment: For these reasons, this variant has been classified as Pathogenic. This variant disrupts a region of the RPS6KA3 protein in which other variant(s) (p.Arg729Trp) have been determined to be pathogenic (PMID: 10094187, 16879200). This suggests that this is a clinically significant region of the protein, and that variants that disrupt it are likely to be disease-causing. ClinVar contains an entry for this variant (Variation ID: 1476999). This variant has not been reported in the literature in individuals affected with RPS6KA3-related conditions. This variant is not present in population databases (gnomAD no frequency). This sequence change creates a premature translational stop signal (p.Pro716Valfs*19) in the RPS6KA3 gene. While this is not anticipated to result in nonsense mediated decay, it is expected to disrupt the last 25 amino acid(s) of the RPS6KA3 protein.

Literature cited by the submitters: PubMed 10094187; PubMed 16879200.